The following is an entry in ClinVar:

NM_001378452.1(ITPR1):c.5504T>C (p.Leu1835Pro)

Gene: ITPR1 (inositol 1,4,5-trisphosphate receptor type 1; plus strand). Cytogenetic location: 3p26.1.
Variant type: single nucleotide variant.
Coding change: c.5504T>C on transcript NM_001378452.1 (MANE Select); coding-DNA position 5504, T replaced by C.
Protein change: p.Leu1835Pro; replaces leucine 1835 with proline.
Molecular consequence: missense variant.
Genome position (GRCh38, 1-based): chr3:4,735,314, T>C. VCF-style: chr3-4735314-T-C. GRCh37 (hg19) VCF-style: chr3-4776998-T-C.
Other names: c.5360T>C, p.Leu1787Pro (NM_001099952.4); c.5459T>C, p.Leu1820Pro (NM_001168272.2); c.5315T>C, p.Leu1772Pro (NM_002222.7); short protein forms L1787P, L1820P, L1772P, L1835P.
Identifiers: ClinVar variation 253023 (VCV000253023.3), dbSNP rs1114167316, ClinGen allele CA351639406.

ClinVar aggregate classification (germline): Pathogenic (0 of 4 stars; one submission).

Conditions:
Spinocerebellar ataxia type 29 (SCA29). Also called: Spinocerebellar ataxia 29, congenital nonprogressive; CEREBELLAR ATAXIA, CONGENITAL NONPROGRESSIVE, AUTOSOMAL DOMINANT. Identifiers: Orphanet 208513, MedGen C1861732, MONDO:0007298, OMIM 117360.

Submission:

Research Group Niklas Dahl, Uppsala University
Classification: Pathogenic for Spinocerebellar ataxia type 29. Last evaluated: 2016-08-01. Review status: no assertion criteria provided. Collection method: research. Allele origin: inherited. Inheritance: Autosomal recessive inheritance. Affected: yes. Observed: 11 variant alleles, 5 heterozygotes, 6 homozygotes. Clinical features observed: SCA29 with asymptomatic cerebellar hypoplasia.
Comment: We have identified a biallelic (homozygous) missense mutation in ITPR1 segregating with an autosomal recessive and early onset cerebellar syndrome. Heterozygous individuals are asymptomatic albeit with unequivocal cerebellar hypoplasia. Our findings add to the genetic complexity of Spinocerebellar ataxia (SCA) and broaden the correlations between ITPR1 variants and their clinical expression.

Literature cited by the submitters: PubMed 28488678.